The following is an entry in ClinVar:

ClinVar aggregate classification (germline): Uncertain significance (1 of 4 stars; one submission).

Conditions:
Familial cancer of breast. Also called: Hereditary breast cancer; hereditary breast carcinoma; BREAST CANCER, FAMILIAL. Identifiers: Orphanet 227535, MedGen C0346153, MONDO:0016419, OMIM 114480. Disease mechanism: loss of function.
Fanconi anemia complementation group J. Also called: BRIP1-Related Fanconi Anemia. Identifiers: Orphanet 84, MedGen C1836860, MONDO:0012187, OMIM 609054.

Submission:

Labcorp Genetics (formerly Invitae), Labcorp
Classification: Uncertain significance for Familial cancer of breast; Fanconi anemia complementation group J. Last evaluated: 2021-12-25. Review status: criteria provided, single submitter. Criteria: Invitae Variant Classification Sherloc (09022015). Collection method: clinical testing. Allele origin: germline.
Comment: This sequence change replaces lysine, which is basic and polar, with glutamic acid, which is acidic and polar, at codon 621 of the BRIP1 protein (p.Lys621Glu). This variant is not present in population databases (gnomAD no frequency). This variant has not been reported in the literature in individuals affected with BRIP1-related conditions. Algorithms developed to predict the effect of missense changes on protein structure and function (SIFT, PolyPhen-2, Align-GVGD) all suggest that this variant is likely to be tolerated. In summary, the available evidence is currently insufficient to determine the role of this variant in disease. Therefore, it has been classified as a Variant of Uncertain Significance.

NM_032043.3(BRIP1):c.1861A>G (p.Lys621Glu)

Gene: BRIP1 (BRCA1 interacting DNA helicase 1; minus strand). Cytogenetic location: 17q23.2.
Variant type: single nucleotide variant.
Coding change: c.1861A>G on transcript NM_032043.3 (MANE Select); coding-DNA position 1861, A replaced by G.
Protein change: p.Lys621Glu; replaces lysine 621 with glutamic acid.
Molecular consequence: missense variant.
Genome position (GRCh38, 1-based): chr17:61,780,335, T>C on the plus strand (A>G on the coding strand, the complement: BRIP1 is on the minus strand). VCF-style: chr17-61780335-T-C. GRCh37 (hg19) VCF-style: chr17-59857696-T-C.
Other names: short protein forms K621E.
Identifiers: ClinVar variation 2059535 (VCV002059535.4), dbSNP rs2145078283, ClinGen allele CA400480095.
Genomic context (GRCh38, chr17:61,780,335, plus strand): 5'-TGATATGATTAGCCTCCAGCTGGATAGTAAATGTAACACCAAGTTCTGACGAAAAGGATT[T>C]CATTGGTGATAATGTACCAGATGTCAAAACAATGGTCTGAACTTTGCCATTAATATCTGA-3'
Protein context (NP_114432.2, residues 611-631): VLTSGTLSPM[Lys621Glu]SFSSELGVTF